The following is an entry in ClinVar:

ClinVar aggregate classification (germline): Uncertain significance (1 of 4 stars; one submission).

Conditions:
SIM1-related disorder. Also called: SIM1-related disorders; SIM1-related condition.

Submission:

PreventionGenetics, part of Exact Sciences
Classification: Uncertain significance for SIM1-related condition. Last evaluated: 2025-11-20. Review status: criteria provided, single submitter. Criteria: ACMG Guidelines, 2015. Collection method: clinical testing. Allele origin: germline.
Comment: The SIM1 c.258G>A variant is not predicted to result in an amino acid change (p.=). To our knowledge, this variant has not been reported in the literature or in a large population database (gnomAD), indicating this variant is rare. At this time, the clinical significance of this variant is uncertain due to the absence of conclusive functional and genetic evidence.

NM_005068.3(SIM1):c.258G>A (p.Gln86=)

Gene: SIM1 (SIM bHLH transcription factor 1; minus strand). Cytogenetic location: 6q16.3.
Variant type: single nucleotide variant.
Coding change: c.258G>A on transcript NM_005068.3 (MANE Select); coding-DNA position 258, G replaced by A.
Protein change: p.Gln86=; no amino-acid change (glutamine 86 retained).
Molecular consequence: synonymous variant.
Genome position (GRCh38, 1-based): chr6:100,453,762, C>T on the plus strand (G>A on the coding strand, the complement: SIM1 is on the minus strand). VCF-style: chr6-100453762-C-T. GRCh37 (hg19) VCF-style: chr6-100901638-C-T.
Other names: c.258G>A, p.Gln86= (NM_001374769.1).
Identifiers: ClinVar variation 4992743 (VCV004992743.1).